The following is an entry in ClinVar:

NM_014283.5(SUCO):c.-236T>C

Genes: SUCO (SUN domain containing ossification factor; plus strand), LOC129931913 (ATAC-STARR-seq lymphoblastoid silent region 1552; plus strand). Cytogenetic location: 1q24.3.
Variant type: single nucleotide variant.
Coding change: c.-236T>C on transcript NM_014283.5 (MANE Select); 236 bases upstream of the start codon, T replaced by C.
Molecular consequence: 5 prime UTR variant. On other transcripts: missense variant (1).
Genome position (GRCh38, 1-based): chr1:172,533,200, T>C. VCF-style: chr1-172533200-T-C. GRCh37 (hg19) VCF-style: chr1-172502340-T-C.
Other names: c.-236T>C (NM_001282750.2); c.-1765T>C (NM_001282751.2); c.350T>C, p.Leu117Pro (NM_016227.4); short protein forms L117P.
Identifiers: ClinVar variation 3059036 (VCV003059036.2), dbSNP rs2285143, ClinGen allele CA1246402.

ClinVar aggregate classification (germline): Benign (0 of 4 stars; one submission).

Conditions:
SUCO-related disorder. Also called: SUCO-related condition.

Allele frequency attached by ClinVar (database versions not stated): gnomAD exomes 0.25765; gnomAD 0.33538; TOPMed 0.34850; 1000 Genomes Project 0.36362; 1000 Genomes Project 30x 0.36805; ExAC 0.49105.
gnomAD v4.1: 402,208 of 1,509,554 alleles (27%); highest among the groups gnomAD compares: African/African-American, 56%; 58,598 homozygotes.

Submission:

PreventionGenetics, part of Exact Sciences
Classification: Benign for SUCO-related condition. Last evaluated: 2019-10-31. Review status: no assertion criteria provided. Collection method: clinical testing. Allele origin: germline.
Comment: This variant is classified as benign based on ACMG/AMP sequence variant interpretation guidelines (Richards et al. 2015 PMID: 25741868, with internal and published modifications).